The following is an entry in ClinVar:

ClinVar aggregate classification (germline): Uncertain significance (0 of 4 stars; one submission).

Conditions:
CHD7-related disorder. Also called: CHD7-related condition.

Allele frequency attached by ClinVar (database versions not stated): gnomAD exomes 0.00001; ExAC 0.00002; gnomAD 0.00002; 1000 Genomes Project 30x 0.00016; 1000 Genomes Project 0.00020.
gnomAD v4.1: 13 of 1,614,014 alleles (0.00081%); highest among the groups gnomAD compares: South Asian, 0.013%; 1 homozygote.

Submission:

PreventionGenetics, part of Exact Sciences
Classification: Uncertain significance for CHD7-related condition. Last evaluated: 2023-12-13. Review status: no assertion criteria provided. Collection method: clinical testing. Allele origin: germline.
Comment: The CHD7 c.1363A>G variant is predicted to result in the amino acid substitution p.Met455Val. To our knowledge, this variant has not been reported in the literature. This variant is reported in 0.0033% of alleles in individuals of South Asian descent in gnomAD. At this time, the clinical significance of this variant is uncertain due to the absence of conclusive functional and genetic evidence.

NM_017780.4(CHD7):c.1363A>G (p.Met455Val)

Gene: CHD7 (chromodomain helicase DNA binding protein 7; plus strand). Cytogenetic location: 8q12.2.
Variant type: single nucleotide variant.
Coding change: c.1363A>G on transcript NM_017780.4 (MANE Select); coding-DNA position 1363, A replaced by G.
Protein change: p.Met455Val; replaces methionine 455 with valine.
Molecular consequence: missense variant.
Genome position (GRCh38, 1-based): chr8:60,742,795, A>G. VCF-style: chr8-60742795-A-G. GRCh37 (hg19) VCF-style: chr8-61655354-A-G.
Other names: c.1363A>G, p.Met455Val (NM_001316690.1); short protein forms M455V.
Identifiers: ClinVar variation 3053069 (VCV003053069.2), dbSNP rs529934598, ClinGen allele CA4759477.
Genomic context (GRCh38, chr8:60,742,795, plus strand): 5'-CCATCTCACCAGCCCCCTGGTGCCATGGGAATCGGACAGAGGAATATGGGCCCCAGAAAC[A>G]TGCAGCAGTCTCGTCCATTTATAGGCATGTCCTCGGCACCAAGGGAATTGACTGGGCACA-3'
Protein context (NP_060250.2, residues 445-465): IGQRNMGPRN[Met455Val]QQSRPFIGMS